The following is an entry in ClinVar:

NM_007327.4(GRIN1):c.1597_1599del (p.Phe533del)

Gene: GRIN1 (glutamate ionotropic receptor NMDA type subunit 1; plus strand). Cytogenetic location: 9q34.3.
Variant type: Deletion.
Coding change: c.1597_1599del on transcript NM_007327.4 (MANE Select); coding-DNA positions 1597 to 1599, 3 bases deleted (TTC; older notation c.1597_1599delTTC).
Protein change: p.Phe533del; deletes phenylalanine 533.
Molecular consequence: inframe deletion.
Genome position (GRCh38, 1-based): chr9:137,162,053-137,162,055, TTC deleted; deleting any 3 consecutive bases within chr9:137,162,052-137,162,055 gives the same sequence; the c. name uses the placement nearest the transcript's 3' end. VCF-style (leftmost placement, unchanged base first): chr9-137162051-CCTT-C. GRCh37 (hg19) VCF-style: chr9-140056503-CCTT-C.
Other names: c.1597_1599del, p.Phe533del (NM_000832.7, NM_021569.4); c.1660_1662del, p.Phe554del (NM_001185090.2, NM_001185091.2, NM_001437330.1 and 1 more transcripts); short protein forms F533del, F554del.
Identifiers: ClinVar variation 4884010 (VCV004884010.2).

ClinVar aggregate classification (germline): Uncertain significance (1 of 4 stars; one submission).

Conditions:
Neurodevelopmental disorder with or without hyperkinetic movements and seizures, autosomal dominant. Also called: Intellectual disability, autosomal dominant 8. Identifiers: MedGen C3280282, MONDO:0013655, OMIM 614254.

Submission:

Dasa
Classification: Uncertain significance for intellectual disability, autosomal dominant 8. Last evaluated: 2025-05-14. Review status: criteria provided, single submitter. Criteria: DASA Assertion Criteria. Collection method: clinical testing. Allele origin: germline.
Comment: NM_007327.4(GRIN1):c.1597_1599del (p.Phe533del) is an in-frame deletion predicted to remove phenylalanine at protein position 533 without shifting the reading frame. This variant is absent from population databases. The currently available literature and clinical evidence are not sufficient to establish a definitive association between this variant and the reported condition. Therefore, this variant is classified as a variant of uncertain significance.